The following is an entry in ClinVar:

ClinVar aggregate classification (germline): Likely benign. Review status: criteria provided, single submitter (1 of 4 stars). 2 submissions from 2 submitters: Likely benign (1). 1 of the submissions does not count toward it. Last evaluated 2023-12-18.

Conditions:
CUX2-related disorder. Also called: CUX2-related condition.

Allele frequency attached by ClinVar (database versions not stated): gnomAD 0.00005; TOPMed 0.00006; ESP Exome Variant Server 0.00008; gnomAD exomes 0.00008; ExAC 0.00009.
gnomAD v4.1: 124 of 1,613,186 alleles (0.0077%); highest among the groups gnomAD compares: Non-Finnish European, 0.01%; no homozygotes.

Submissions (2):

Blueprint Genetics
Classification: Likely benign. Last evaluated: 2023-12-18. Review status: criteria provided, single submitter. Criteria: ACMG Guidelines, 2015. Collection method: clinical testing. Allele origin: germline.

PreventionGenetics, part of Exact Sciences
Classification: Likely benign for CUX2-related condition. Last evaluated: 2019-04-08. Review status: no assertion criteria provided. Collection method: clinical testing. Allele origin: germline. Not counted in ClinVar's aggregate classification.
Comment: This variant is classified as likely benign based on ACMG/AMP sequence variant interpretation guidelines (Richards et al. 2015 PMID: 25741868, with internal and published modifications).

NM_015267.4(CUX2):c.906G>A (p.Ala302=)

Gene: CUX2 (cut like homeobox 2; plus strand). Cytogenetic location: 12q24.12.
Variant type: single nucleotide variant.
Coding change: c.906G>A on transcript NM_015267.4 (MANE Select); coding-DNA position 906, G replaced by A.
Protein change: p.Ala302=; no amino-acid change (alanine 302 retained).
Molecular consequence: synonymous variant.
Genome position (GRCh38, 1-based): chr12:111,306,968, G>A. VCF-style: chr12-111306968-G-A. GRCh37 (hg19) VCF-style: chr12-111744772-G-A.
Other names: c.720G>A, p.Ala240= (NM_001370598.1).
Identifiers: ClinVar variation 3058788 (VCV003058788.3), dbSNP rs373879856, ClinGen allele CA6788518.
Genomic context (GRCh38, chr12:111,306,968, plus strand): 5'-CCTTTGCCTGCAGGATAAGGTGAACTTCACTCTGTGCTCGGGCCCTCGGCTGGAGGCCGC[G>A]CTGGCCTCCAAGGACAGGGAGATCCTGCGGCTGCTGAAGGACGTGCAGCACCTCCAGAGC-3'
Protein context (NP_056082.2, residues 292-312): TLCSGPRLEA[Ala302=]LASKDREILR